The following is an entry in ClinVar:

NM_005045.4(RELN):c.9505T>G (p.Cys3169Gly)

Genes: SLC26A5-AS1 (SLC26A5 antisense RNA 1; plus strand), RELN (reelin; minus strand), LOC126860130 (BRD4-independent group 4 enhancer GRCh37_chr7:103130126-103131325; plus strand). Cytogenetic location: 7q22.1.
Variant type: single nucleotide variant.
Coding change: c.9505T>G on transcript NM_005045.4 (MANE Select); coding-DNA position 9505, T replaced by G.
Protein change: p.Cys3169Gly; replaces cysteine 3169 with glycine.
Molecular consequence: missense variant.
Genome position (GRCh38, 1-based): chr7:103,490,768, A>C on the plus strand (T>G on the coding strand, the complement: RELN is on the minus strand). VCF-style: chr7-103490768-A-C. GRCh37 (hg19) VCF-style: chr7-103131215-A-C.
Other names: c.9505T>G, p.Cys3169Gly (NM_173054.3); short protein forms C3169G.
Identifiers: ClinVar variation 568200 (VCV000568200.9), dbSNP rs1394617861, ClinGen allele CA368745481.

ClinVar aggregate classification (germline): Uncertain significance (1 of 4 stars; one submission).

Conditions:
Norman-Roberts syndrome (LIS2). Also called: Lissencephaly 2 (Norman-Roberts type). Identifiers: Orphanet 89844, MedGen C0796089, MONDO:0009760, OMIM 257320.
Familial temporal lobe epilepsy 7. Identifiers: Orphanet 101046, MedGen C4225327, MONDO:0014639, OMIM 616436.

Submission:

Labcorp Genetics (formerly Invitae), Labcorp
Classification: Uncertain significance for Familial temporal lobe epilepsy 7; Norman-Roberts syndrome. Last evaluated: 2023-07-10. Review status: criteria provided, single submitter. Criteria: Invitae Variant Classification Sherloc (09022015). Collection method: clinical testing. Allele origin: germline.
Comment: In summary, the available evidence is currently insufficient to determine the role of this variant in disease. Therefore, it has been classified as a Variant of Uncertain Significance. Advanced modeling of protein sequence and biophysical properties (such as structural, functional, and spatial information, amino acid conservation, physicochemical variation, residue mobility, and thermodynamic stability) has been performed at Invitae for this missense variant, however the output from this modeling did not meet the statistical confidence thresholds required to predict the impact of this variant on RELN protein function. ClinVar contains an entry for this variant (Variation ID: 568200). This variant has not been reported in the literature in individuals affected with RELN-related conditions. This variant is not present in population databases (gnomAD no frequency). This sequence change replaces cysteine, which is neutral and slightly polar, with glycine, which is neutral and non-polar, at codon 3169 of the RELN protein (p.Cys3169Gly).